The following is an entry in ClinVar:

NM_018671.5(UNC45A):c.1878+4A>G

Gene: UNC45A (unc-45 myosin chaperone A; plus strand). Cytogenetic location: 15q26.1.
Variant type: single nucleotide variant.
Coding change: c.1878+4A>G on transcript NM_018671.5 (MANE Select); 4 bases into the intron after coding-DNA position 1878, A replaced by G.
Molecular consequence: intron variant.
Genome position (GRCh38, 1-based): chr15:90,948,798, A>G. VCF-style: chr15-90948798-A-G. GRCh37 (hg19) VCF-style: chr15-91492028-A-G.
Other names: c.1833+4A>G (NM_001039675.2, NM_001323621.2); c.1878+4A>G (NM_001323619.1); c.1443+4A>G (NM_001323620.2).
Identifiers: ClinVar variation 1483806 (VCV001483806.6), dbSNP rs1451589303, ClinGen allele CA2573151488.

ClinVar aggregate classification (germline): Uncertain significance (1 of 4 stars; one submission).

Submission:

Labcorp Genetics (formerly Invitae), Labcorp
Classification: Uncertain significance. Last evaluated: 2020-11-23. Review status: criteria provided, single submitter. Criteria: Invitae Variant Classification Sherloc (09022015). Collection method: clinical testing. Allele origin: germline.
Comment: This sequence change falls in intron 13 of the UNC45A gene. It does not directly change the encoded amino acid sequence of the UNC45A protein. It affects a nucleotide within the consensus splice site of the intron. In summary, the available evidence is currently insufficient to determine the role of this variant in disease. Therefore, it has been classified as a Variant of Uncertain Significance. Nucleotide substitutions within the consensus splice site are a relatively common cause of aberrant splicing (PMID: 17576681, 9536098). Algorithms developed to predict the effect of sequence changes on RNA splicing suggest that this variant may disrupt the consensus splice site, but this prediction has not been confirmed by published transcriptional studies. This variant has not been reported in the literature in individuals with UNC45A-related conditions. This variant is not present in population databases (ExAC no frequency).

Literature cited by the submitters: PubMed 17576681; PubMed 9536098.